The following is an entry in ClinVar:

ClinVar aggregate classification (germline): Likely benign (1 of 4 stars; one submission).

Allele frequency attached by ClinVar (database versions not stated): TOPMed 0.00123; 1000 Genomes Project 0.00180; 1000 Genomes Project 30x 0.00187; gnomAD 0.00217 and 0.00219.
gnomAD v4.1: 328 of 152,310 alleles (0.22%); highest among the groups gnomAD compares: South Asian, 0.33%; no homozygotes.

Submission:

GeneDx
Classification: Likely benign. Last evaluated: 2018-06-18. Review status: criteria provided, single submitter. Criteria: GeneDx Variant Classification (06012015). Collection method: clinical testing. Allele origin: germline. Affected: yes.
Comment: This variant is considered likely benign or benign based on one or more of the following criteria: it is a conservative change, it occurs at a poorly conserved position in the protein, it is predicted to be benign by multiple in silico algorithms, and/or has population frequency not consistent with disease.

NM_000138.5(FBN1):c.8051+448T>A

Gene: FBN1 (fibrillin 1; minus strand). Cytogenetic location: 15q21.1.
Variant type: single nucleotide variant.
Coding change: c.8051+448T>A on transcript NM_000138.5 (MANE Select); 448 bases into the intron after coding-DNA position 8051, T replaced by A.
Molecular consequence: intron variant.
Genome position (GRCh38, 1-based): chr15:48,415,088, A>T on the plus strand (T>A on the coding strand, the complement: FBN1 is on the minus strand). VCF-style: chr15-48415088-A-T. GRCh37 (hg19) VCF-style: chr15-48707285-A-T.
Identifiers: ClinVar variation 673939 (VCV000673939.1), dbSNP rs182745665, ClinGen allele CA15843689.